The following is an entry in ClinVar:

NM_001355436.2(SPTB):c.203T>C (p.Leu68Pro)

Gene: SPTB (spectrin beta, erythrocytic; minus strand). Cytogenetic location: 14q23.3.
Variant type: single nucleotide variant.
Coding change: c.203T>C on transcript NM_001355436.2 (MANE Select); coding-DNA position 203, T replaced by C.
Protein change: p.Leu68Pro; replaces leucine 68 with proline.
Molecular consequence: missense variant.
Genome position (GRCh38, 1-based): chr14:64,805,036, A>G on the plus strand (T>C on the coding strand, the complement: SPTB is on the minus strand). VCF-style: chr14-64805036-A-G. GRCh37 (hg19) VCF-style: chr14-65271754-A-G.
Other names: c.203T>C, p.Leu68Pro (NM_001024858.4, NM_001355437.2); short protein forms L68P.
Identifiers: ClinVar variation 1802687 (VCV001802687.2), dbSNP rs2503227168, ClinGen allele CA390036097.

ClinVar aggregate classification (germline): Uncertain significance (1 of 4 stars; one submission).

Submission:

MVZ Dr. Eberhard & Partner Dortmund
Classification: Uncertain significance. Last evaluated: 2022-09-06. Review status: criteria provided, single submitter. Criteria: ACMG Guidelines, 2015. Collection method: clinical testing. Allele origin: unknown. Observed: 1 heterozygote.
Comment: This missense variant is not present in population databases, mutation databases or in literature. In silico algorithms predict a deleterious effect on the gene product but this ist not sufficient for a explicit classification.